The following is an entry in ClinVar:

ClinVar aggregate classification (germline): Benign (1 of 4 stars; one submission).

Submission:

GeneDx
Classification: Benign. Last evaluated: 2021-03-05. Review status: criteria provided, single submitter. Criteria: GeneDx Variant Classification Process June 2021. Collection method: clinical testing. Allele origin: germline. Affected: yes.
Comment: Has not been previously published as pathogenic or benign to our knowledge

NM_017680.6(ASPN):c.114TGA[19] (p.Asp50_Glu51insAspAspAspAspAspAsp)

Genes: ASPN (asporin; minus strand), CENPP (centromere protein P; plus strand). Cytogenetic location: 9q22.31.
Variant type: Microsatellite.
Coding change: c.114TGA[19] on transcript NM_017680.6 (MANE Select); 19 copies in a row of the 3-base unit TGA starting at c.114; the reference has 14 copies in a row; five copies, 15 bases duplicated.
Protein change: p.Asp50_Glu51insAspAspAspAspAspAsp.
Molecular consequence: inframe insertion. On other transcripts: intron variant (2).
Genome position (GRCh38, 1-based): chr9:92,474,743-92,474,757, TCATCATCATCATCA duplicated on the plus strand (TGATGATGATGATGA on the coding strand, the reverse complement: ASPN is on the minus strand); duplicating any 15 consecutive bases within chr9:92,474,743-92,474,786 gives the same sequence; the position shown is the placement nearest the transcript's 3' end. VCF-style (leftmost placement, unchanged base first): chr9-92474742-C-CTCATCATCATCATCA. GRCh37 (hg19) VCF-style: chr9-95237024-C-CTCATCATCATCATCA.
Other names: c.114TGA[19], p.Asp50_Glu51insAspAspAspAspAspAsp (NM_001193335.3); c.228+94884TCA[19] (NM_001286969.1); c.564+94884TCA[19] (NM_001012267.3).
Identifiers: ClinVar variation 1248251 (VCV001248251.4), dbSNP rs3078372, ClinGen allele CA868513884.